The following is an entry in ClinVar:

NM_033028.5(BBS4):c.983G>A (p.Ser328Asn)

Gene: BBS4 (Bardet-Biedl syndrome 4; plus strand). Cytogenetic location: 15q24.1.
Variant type: single nucleotide variant.
Coding change: c.983G>A on transcript NM_033028.5 (MANE Select); coding-DNA position 983, G replaced by A.
Protein change: p.Ser328Asn; replaces serine 328 with asparagine.
Molecular consequence: missense variant. On other transcripts: non-coding transcript variant (2).
Genome position (GRCh38, 1-based): chr15:72,731,673, G>A. VCF-style: chr15-72731673-G-A. GRCh37 (hg19) VCF-style: chr15-73024014-G-A.
Other names: c.467G>A, p.Ser156Asn (NM_001252678.2); c.914G>A, p.Ser305Asn (NM_001320665.2); short protein forms S156N, S305N, S328N.
Identifiers: ClinVar variation 3358222 (VCV003358222.2).

ClinVar aggregate classification (germline): Uncertain significance. Review status: criteria provided, single submitter (1 of 4 stars). 2 submissions from 2 submitters: Uncertain significance (1). 1 of the submissions does not count toward it. Last evaluated 2024-06-18.

Conditions:
BBS4-related disorder. Also called: BBS4-related condition.
Bardet-Biedl syndrome 4 (BBS4). Identifiers: Orphanet 110, MedGen C2936864, MONDO:0014433, OMIM 615982.

gnomAD v4.1: 15 of 1,614,160 alleles (0.00093%); highest among the groups gnomAD compares: Non-Finnish European, 0.0012%; no homozygotes.

Submissions (2):

Fulgent Genetics
Classification: Uncertain significance for Bardet-Biedl syndrome 4. Last evaluated: 2024-06-18. Review status: criteria provided, single submitter. Criteria: ACMG Guidelines, 2015. Collection method: clinical testing. Allele origin: germline.

PreventionGenetics, part of Exact Sciences
Classification: Uncertain significance for BBS4-related condition. Last evaluated: 2024-09-27. Review status: no assertion criteria provided. Collection method: clinical testing. Allele origin: germline. Not counted in ClinVar's aggregate classification.
Comment: The BBS4 c.983G>A variant is predicted to result in the amino acid substitution p.Ser328Asn. To our knowledge, this variant has not been reported in the literature. This variant is reported in 0.0033% of alleles in individuals of South Asian descent in gnomAD. At this time, the clinical significance of this variant is uncertain due to the absence of conclusive functional and genetic evidence.